The following is an entry in ClinVar:

ClinVar aggregate classification (germline): Likely benign (1 of 4 stars; one submission).

gnomAD v4.1: 532 of 1,613,552 alleles (0.033%); highest among the groups gnomAD compares: Non-Finnish European, 0.041%; no homozygotes.

Submission:

CeGaT Center for Human Genetics Tuebingen
Classification: Likely benign. Last evaluated: 2026-02-01. Review status: criteria provided, single submitter. Criteria: CeGaT Center For Human Genetics Tuebingen Variant Classification Criteria Version 2. Collection method: clinical testing. Allele origin: germline. Affected: yes. Observed: 1 variant allele.
Comment: PAFAH1B2: BP4, BP7

NM_002572.4(PAFAH1B2):c.132C>T (p.Phe44=)

Gene: PAFAH1B2 (platelet activating factor acetylhydrolase 1b catalytic subunit 2; plus strand). Cytogenetic location: 11q23.3.
Variant type: single nucleotide variant.
Coding change: c.132C>T on transcript NM_002572.4 (MANE Select); coding-DNA position 132, C replaced by T.
Protein change: p.Phe44=; no amino-acid change (phenylalanine 44 retained).
Molecular consequence: synonymous variant. On other transcripts: 5 prime UTR variant (1), non-coding transcript variant (2).
Genome position (GRCh38, 1-based): chr11:117,159,984, C>T. VCF-style: chr11-117159984-C-T. GRCh37 (hg19) VCF-style: chr11-117030700-C-T.
Other names: c.132C>T, p.Phe44= (NM_001184746.2, NM_001184747.2, NM_001184748.2); c.-13C>T (NM_001309431.2).
Identifiers: ClinVar variation 4821410 (VCV004821410.4).
Genomic context (GRCh38, chr11:117,159,984, plus strand): 5'-TTCAAACCAGCACAACAGATTTGTTTTGGACTGTAAAGACAAAGAGCCTGATGTACTGTT[C>T]GTGGGAGACTCCATGGTGCAGTTAATGCAGCAATATGAGGTAAAGGTGGAAGGGATGAGC-3'
Protein context (NP_002563.1, residues 34-54): DCKDKEPDVL[Phe44=]VGDSMVQLMQ